The following is an entry in ClinVar:

NM_003924.4(PHOX2B):c.642C>T (p.Gly214=)

Gene: PHOX2B (paired like homeobox 2B; minus strand). Cytogenetic location: 4p13.
Variant type: single nucleotide variant.
Coding change: c.642C>T on transcript NM_003924.4 (MANE Select); coding-DNA position 642, C replaced by T.
Protein change: p.Gly214=; no amino-acid change (glycine 214 retained).
Molecular consequence: synonymous variant.
Genome position (GRCh38, 1-based): chr4:41,746,110, G>A on the plus strand (C>T on the coding strand, the complement: PHOX2B is on the minus strand). VCF-style: chr4-41746110-G-A. GRCh37 (hg19) VCF-style: chr4-41748127-G-A.
Identifiers: ClinVar variation 413923 (VCV000413923.46), dbSNP rs190973308, ClinGen allele CA2901466.

ClinVar aggregate classification (germline): Benign/Likely benign. Review status: criteria provided, multiple submitters, no conflicts (2 of 4 stars). 8 submissions from 7 submitters: Benign (4); Likely benign (4). Last evaluated 2026-01-23.

Conditions:
Central hypoventilation syndrome, congenital, 1, with or without Hirschsprung disease (CCHS1). Also called: Congenital Central Hypoventilation Syndrome (CCHS); CENTRAL HYPOVENTILATION SYNDROME, CONGENITAL, 1; AUTONOMIC CONTROL, CONGENITAL FAILURE OF; ONDINE CURSE, CONGENITAL; Central hypoventilation syndrome, congenital, 1, with or without Hirschsprung. Identifiers: Orphanet 661, MedGen C5562075, MONDO:0800026, OMIM 209880.
Hereditary cancer-predisposing syndrome. Also called: Tumor predisposition; Hereditary neoplastic syndrome; Hereditary Cancer Syndrome; Neoplastic Syndromes, Hereditary. Identifiers: Orphanet 140162, MedGen C0027672, MeSH D009386, MONDO:0015356.
Haddad syndrome (OHD). Also called: Ondine-Hirschsprung disease. Identifiers: Orphanet 99803, MedGen C1859049, MONDO:0020493.
Neuroblastoma, susceptibility to, 2. Identifiers: Orphanet 635, MedGen C2751682, MONDO:0700041, OMIM 613013.

Allele frequency attached by ClinVar (database versions not stated): gnomAD exomes 0.00016 and 0.00037; ExAC 0.00048; gnomAD 0.00147 and 0.00162; TOPMed 0.00180; ESP Exome Variant Server 0.00216; 1000 Genomes Project 0.00220; 1000 Genomes Project 30x 0.00265.
gnomAD v4.1: 473 of 1,581,920 alleles (0.03%); highest among the groups gnomAD compares: African/African-American, 0.59%; 1 homozygote.

Submissions (8):

Women's Health and Genetics/Laboratory Corporation of America, LabCorp
Classification: Benign. Last evaluated: 2026-01-23. Review status: criteria provided, single submitter. Criteria: LabCorp Variant Classification Summary - May 2015. Collection method: clinical testing. Allele origin: germline.

Labcorp Genetics (formerly Invitae), Labcorp
Classification: Benign for Haddad syndrome. Last evaluated: 2025-11-17. Review status: criteria provided, single submitter. Criteria: Invitae Variant Classification Sherloc (09022015). Collection method: clinical testing. Allele origin: germline.

KCCC/NGS Laboratory, Kuwait Cancer Control Center
Classification: Benign for Central hypoventilation syndrome, congenital, 1, with or without Hirschsprung disease. Last evaluated: 2025-02-01. Review status: criteria provided, single submitter. Criteria: ACMG Guidelines, 2015. Collection method: clinical testing. Allele origin: germline. Affected: no.

KCCC/NGS Laboratory, Kuwait Cancer Control Center
Classification: Benign for Neuroblastoma, susceptibility to, 2. Last evaluated: 2023-07-07. Review status: criteria provided, single submitter. Criteria: ACMG Guidelines, 2015. Collection method: clinical testing. Allele origin: germline. Affected: yes.

CeGaT Center for Human Genetics Tuebingen
Classification: Likely benign. Last evaluated: 2023-02-01. Review status: criteria provided, single submitter. Criteria: CeGaT Center For Human Genetics Tuebingen Variant Classification Criteria Version 2. Collection method: clinical testing. Allele origin: germline. Affected: yes. Observed: 2 variant alleles.
Comment: PHOX2B: BP4, BP7

Sema4
Classification: Likely benign for Hereditary cancer-predisposing syndrome. Last evaluated: 2021-08-04. Review status: criteria provided, single submitter. Criteria: Sema4 Curation Guidelines. Collection method: curation. Allele origin: germline.

GeneDx
Classification: Likely benign. Last evaluated: 2020-04-10. Review status: criteria provided, single submitter. Criteria: GeneDx Variant Classification Process June 2021. Collection method: clinical testing. Allele origin: germline. Affected: yes.
Comment: This variant is associated with the following publications: (PMID: 31444792, 16830328)

Ambry Genetics
Classification: Likely benign for Hereditary cancer-predisposing syndrome. Last evaluated: 2016-12-12. Review status: criteria provided, single submitter. Criteria: Ambry Variant Classification Scheme 2023. Collection method: clinical testing. Allele origin: germline.